The following is an entry in ClinVar:

ClinVar aggregate classification (germline): Likely benign. Review status: criteria provided, multiple submitters, no conflicts (2 of 4 stars). 3 submissions from 3 submitters: Likely benign (3). Last evaluated 2025-12-19.

Conditions:
Catecholaminergic polymorphic ventricular tachycardia (CVPT). Also called: Catecholamine-induced polymorphic ventricular tachycardia. Identifiers: Orphanet 3286, MedGen C5574922, MONDO:0017990.
Catecholaminergic polymorphic ventricular tachycardia 1. Also called: VENTRICULAR TACHYCARDIA, STRESS-INDUCED POLYMORPHIC 1; VENTRICULAR TACHYCARDIA, CATECHOLAMINERGIC POLYMORPHIC, 1, WITH OR WITHOUT ATRIAL DYSFUNCTION AND/OR DILATED CARDIOMYOPATHY; RYR2-Related Catecholaminergic Polymorphic Ventricular Tachycardia. Identifiers: Orphanet 3286, MedGen C1631597, MONDO:0011484, OMIM 604772.
Cardiomyopathy (CMYO). Also called: Cardiomyopathies. Identifiers: Orphanet 167848, MedGen C0878544, MONDO:0004994, HP:0001638. Inheritance: Various modes of inheritance.

Allele frequency attached by ClinVar (database versions not stated): gnomAD exomes below 0.00001; gnomAD 0.00001; TOPMed 0.00001.
gnomAD v4.1: 4 of 1,609,130 alleles (0.00025%); highest among the groups gnomAD compares: Non-Finnish European, 0.00034%; no homozygotes.

Submissions (3):

Labcorp Genetics (formerly Invitae), Labcorp
Classification: Likely benign for Catecholaminergic polymorphic ventricular tachycardia 1. Last evaluated: 2025-12-19. Review status: criteria provided, single submitter. Criteria: Invitae Variant Classification Sherloc (09022015). Collection method: clinical testing. Allele origin: germline.

All of Us Research Program, National Institutes of Health
Classification: Likely benign for Catecholaminergic polymorphic ventricular tachycardia. Last evaluated: 2023-07-10. Review status: criteria provided, single submitter. Criteria: ACMG Guidelines, 2015. Collection method: clinical testing. Allele origin: germline. Inheritance: Autosomal dominant inheritance. Observed: 3 variant alleles, 3 heterozygotes.
Comment: This study involves interpretation of variants in research participants for the purpose of population health screening. Participant phenotype was not available at the time of variant classification. Additional details can be found in publication PMID: 35346344, PMCID: PMC8962531

Color Diagnostics, LLC DBA Color Health
Classification: Likely benign for Cardiomyopathy. Last evaluated: 2023-01-12. Review status: criteria provided, single submitter. Criteria: ACMG Guidelines, 2015. Collection method: clinical testing. Allele origin: germline.

NM_001035.3(RYR2):c.8437-8T>C

Gene: RYR2 (ryanodine receptor 2; plus strand). Cytogenetic location: 1q43.
Variant type: single nucleotide variant.
Coding change: c.8437-8T>C on transcript NM_001035.3 (MANE Select); 8 bases into the intron before coding-DNA position 8437, T replaced by C.
Molecular consequence: intron variant.
Genome position (GRCh38, 1-based): chr1:237,666,504, T>C. VCF-style: chr1-237666504-T-C. GRCh37 (hg19) VCF-style: chr1-237829804-T-C.
Identifiers: ClinVar variation 2777188 (VCV002777188.5), dbSNP rs1558176382, ClinGen allele CA529548244.